The following is an entry in ClinVar:

NM_000260.4(MYO7A):c.1931_1932del (p.Pro644fs)

Gene: MYO7A (myosin VIIA; plus strand). Cytogenetic location: 11q13.5.
Variant type: Deletion.
Coding change: c.1931_1932del on transcript NM_000260.4 (MANE Select); coding-DNA positions 1931 to 1932, 2 bases deleted (CC; older notation c.1931_1932delCC).
Protein change: p.Pro644fs; shifts the reading frame from proline 644.
Molecular consequence: frameshift variant.
Genome position (GRCh38, 1-based): chr11:77,172,881-77,172,882, CC deleted; deleting any 2 consecutive bases within chr11:77,172,880-77,172,882 gives the same sequence; the c. name uses the placement nearest the transcript's 3' end. VCF-style (leftmost placement, unchanged base first): chr11-77172879-GCC-G. GRCh37 (hg19) VCF-style: chr11-76883925-GCC-G.
Other names: c.1931_1932del, p.Pro644fs (NM_001127180.2); c.1898_1899del, p.Pro633fs (NM_001369365.1); short protein forms P633fs, P644fs.
Identifiers: ClinVar variation 1725934 (VCV001725934.2), dbSNP rs2497044284, ClinGen allele CA2580084911.
Genomic context (GRCh38, chr11:77,172,879, plus strand): 5'-CACGCTGGGTGCCTGCCAGCCCTTCTTTGTGCGATGCATCAAGCCCAATGAGTTCAAGAA[GCC>G]CATGGTGAGTGGCCCTGGCCTGGGGTTGGCGGGTGGCGGCTAGGGTGACGTGGAGGAGCT-3'

ClinVar aggregate classification (germline): Likely pathogenic (1 of 4 stars; one submission).

Conditions:
Usher syndrome type 1 (USH1). Also called: RETINITIS PIGMENTOSA AND CONGENITAL DEAFNESS. Identifiers: Orphanet 231169, Orphanet 886, MedGen C1568247, MONDO:0010168, OMIM 276900.

Submission:

Myriad Genetics, Inc.
Classification: Likely pathogenic for Usher syndrome type 1. Last evaluated: 2022-04-17. Review status: criteria provided, single submitter. Criteria: Myriad Women's Health Autosomal Recessive and X-Linked Classification Criteria (2021). Collection method: clinical testing. Allele origin: unknown.
Comment: NM_000260.3(MYO7A):c.1931_1932delCC(P644Hfs*66) is expected to be pathogenic in the context of MYO7A-related disorders. This variant is predicted to lead to an abnormal or absent protein product due to the creation of a premature termination codon in MYO7A, a gene where loss-of-function variants are known to be pathogenic. Please note: this variant was assessed in the context of healthy population screening.